The following is an entry in ClinVar:

ClinVar aggregate classification (germline): Uncertain significance. Review status: criteria provided, multiple submitters, no conflicts (2 of 4 stars). 2 submissions from 2 submitters: Uncertain significance (2). Last evaluated 2022-03-16.

Conditions:
Inborn genetic diseases. Identifiers: MedGen C0950123, MeSH D030342.

Submissions (2):

Ambry Genetics
Classification: Uncertain significance for Inborn genetic diseases. Last evaluated: 2022-03-16. Review status: criteria provided, single submitter. Criteria: Ambry Variant Classification Scheme 2023. Collection method: clinical testing. Allele origin: germline.

GeneDx
Classification: Uncertain significance. Last evaluated: 2021-05-21. Review status: criteria provided, single submitter. Criteria: GeneDx Variant Classification Process June 2021. Collection method: clinical testing. Allele origin: germline. Affected: yes.
Comment: Not observed at a significant frequency in large population cohorts (Lek et al., 2016); In silico analysis supports that this missense variant has a deleterious effect on protein structure/function; Has not been previously published as pathogenic or benign to our knowledge

NM_173354.5(SIK1):c.189A>C (p.Leu63Phe)

Gene: SIK1 (salt inducible kinase 1; minus strand). Cytogenetic location: 21q22.3.
Variant type: single nucleotide variant.
Coding change: c.189A>C on transcript NM_173354.5 (MANE Select); coding-DNA position 189, A replaced by C.
Protein change: p.Leu63Phe; replaces leucine 63 with phenylalanine.
Molecular consequence: missense variant.
Genome position (GRCh38, 1-based): chr21:43,425,491, T>G on the plus strand (A>C on the coding strand, the complement: SIK1 is on the minus strand). VCF-style: chr21-43425491-T-G. GRCh37 (hg19) VCF-style: chr21-44845371-T-G.
Other names: short protein forms L63F.
Identifiers: ClinVar variation 1326048 (VCV001326048.4), dbSNP rs2146476083, ClinGen allele CA410610808.
Genomic context (GRCh38, chr21:43,425,491, plus strand): 5'-ATGGTTCAGAAGCTTCATCAGCTGAACCTCACGATAGATTTTCTCCAAATTGCTTGAATC[T>G]AATCGTGTTTTATCAATTATTTTTATTGCAACCTACAAATTTAAAAAGAAAAAGGATATT-3'
Protein context (NP_775490.2, residues 53-73): VAIKIIDKTR[Leu63Phe]DSSNLEKIYR